The following is an entry in ClinVar:

NM_033026.6(PCLO):c.10569G>T (p.Glu3523Asp)

Gene: PCLO (piccolo presynaptic cytomatrix protein; minus strand). Cytogenetic location: 7q21.11.
Variant type: single nucleotide variant.
Coding change: c.10569G>T on transcript NM_033026.6 (MANE Select); coding-DNA position 10569, G replaced by T.
Protein change: p.Glu3523Asp; replaces glutamic acid 3523 with aspartic acid.
Molecular consequence: missense variant.
Genome position (GRCh38, 1-based): chr7:82,950,019, C>A on the plus strand (G>T on the coding strand, the complement: PCLO is on the minus strand). VCF-style: chr7-82950019-C-A. GRCh37 (hg19) VCF-style: chr7-82579335-C-A.
Other names: c.10569G>T, p.Glu3523Asp (NM_014510.3); short protein forms E3523D.
Identifiers: ClinVar variation 1414453 (VCV001414453.3), dbSNP rs368491340, ClinGen allele CA4319723.

ClinVar aggregate classification (germline): Uncertain significance (1 of 4 stars; one submission).

Allele frequency attached by ClinVar (database versions not stated): gnomAD exomes 0.00001; ExAC 0.00002; TOPMed 0.00002; ESP Exome Variant Server 0.00008.
gnomAD v4.1: 22 of 1,613,058 alleles (0.0014%); highest among the groups gnomAD compares: Non-Finnish European, 0.0017%; no homozygotes.

Submission:

Labcorp Genetics (formerly Invitae), Labcorp
Classification: Uncertain significance. Last evaluated: 2022-07-04. Review status: criteria provided, single submitter. Criteria: Invitae Variant Classification Sherloc (09022015). Collection method: clinical testing. Allele origin: germline.
Comment: This sequence change replaces glutamic acid, which is acidic and polar, with aspartic acid, which is acidic and polar, at codon 3523 of the PCLO protein (p.Glu3523Asp). This variant is present in population databases (rs368491340, gnomAD 0.003%). This variant has not been reported in the literature in individuals affected with PCLO-related conditions. ClinVar contains an entry for this variant (Variation ID: 1414453). Algorithms developed to predict the effect of missense changes on protein structure and function are either unavailable or do not agree on the potential impact of this missense change (SIFT: "Deleterious"; PolyPhen-2: "Not Available"; Align-GVGD: "Class C0"). In summary, the available evidence is currently insufficient to determine the role of this variant in disease. Therefore, it has been classified as a Variant of Uncertain Significance.